The following is an entry in ClinVar:

ClinVar aggregate classification (germline): Uncertain significance (1 of 4 stars; one submission).

Allele frequency attached by ClinVar (database versions not stated): gnomAD exomes below 0.00001 and 0.00002; gnomAD 0.00001; TOPMed 0.00001; ExAC 0.00003.
gnomAD v4.1: 8 of 1,613,236 alleles (0.0005%); highest among the groups gnomAD compares: Admixed American, 0.013%; no homozygotes.

Submission:

Labcorp Genetics (formerly Invitae), Labcorp
Classification: Uncertain significance. Last evaluated: 2025-10-22. Review status: criteria provided, single submitter. Criteria: Invitae Variant Classification Sherloc (09022015). Collection method: clinical testing. Allele origin: germline.
Comment: This sequence change replaces glutamic acid, which is acidic and polar, with glycine, which is neutral and non-polar, at codon 3730 of the PCLO protein (p.Glu3730Gly). This variant is present in population databases (rs749575739, gnomAD 0.02%). This variant has not been reported in the literature in individuals affected with PCLO-related conditions. ClinVar contains an entry for this variant (Variation ID: 1406834). Experimental studies and prediction algorithms are not available or were not evaluated, and the functional significance of this variant is currently unknown. In summary, the available evidence is currently insufficient to determine the role of this variant in disease. Therefore, it has been classified as a Variant of Uncertain Significance.

NM_033026.6(PCLO):c.11189A>G (p.Glu3730Gly)

Gene: PCLO (piccolo presynaptic cytomatrix protein; minus strand). Cytogenetic location: 7q21.11.
Variant type: single nucleotide variant.
Coding change: c.11189A>G on transcript NM_033026.6 (MANE Select); coding-DNA position 11189, A replaced by G.
Protein change: p.Glu3730Gly; replaces glutamic acid 3730 with glycine.
Molecular consequence: missense variant.
Genome position (GRCh38, 1-based): chr7:82,916,797, T>C on the plus strand (A>G on the coding strand, the complement: PCLO is on the minus strand). VCF-style: chr7-82916797-T-C. GRCh37 (hg19) VCF-style: chr7-82546113-T-C.
Other names: c.11189A>G, p.Glu3730Gly (NM_014510.3); short protein forms E3730G.
Identifiers: ClinVar variation 1406834 (VCV001406834.7), dbSNP rs749575739, ClinGen allele CA4319599.
Genomic context (GRCh38, chr7:82,916,797, plus strand): 5'-CTTCTCCTGGAAACTGTGCCCATTGTGCTGAATGTGGATTGAGTTCCTGTGGAAATCTCC[T>C]CAGGAGGTGGATTTGGCAGAGTTCTTTTAACTTTTTTCTGGGCTCCAGAGGATGTCATGG-3'
Protein context (NP_149015.2, residues 3720-3740): VKRTLPNPPP[Glu3730Gly]EISTGTQSTF